The following is an entry in ClinVar:

ClinVar aggregate classification (germline): Uncertain significance. Review status: criteria provided, multiple submitters, no conflicts (2 of 4 stars). 2 submissions from 2 submitters: Uncertain significance (2). Last evaluated 2024-09-03.

Conditions:
Inborn genetic diseases. Identifiers: MedGen C0950123, MeSH D030342.

Submissions (2):

Ambry Genetics
Classification: Uncertain significance for Inborn genetic diseases. Last evaluated: 2024-09-03. Review status: criteria provided, single submitter. Criteria: Ambry Variant Classification Scheme 2023. Collection method: clinical testing. Allele origin: germline.

GeneDx
Classification: Uncertain significance. Last evaluated: 2023-08-14. Review status: criteria provided, single submitter. Criteria: GeneDx Variant Classification Process June 2021. Collection method: clinical testing. Allele origin: germline. Affected: yes.
Comment: Not observed at significant frequency in large population cohorts (gnomAD); In silico analysis supports that this missense variant does not alter protein structure/function; Has not been previously published as pathogenic or benign to our knowledge

NM_001206999.2(CIT):c.4999C>T (p.His1667Tyr)

Gene: CIT (citron rho-interacting serine/threonine kinase; minus strand). Cytogenetic location: 12q24.23.
Variant type: single nucleotide variant.
Coding change: c.4999C>T on transcript NM_001206999.2 (MANE Select); coding-DNA position 4999, C replaced by T.
Protein change: p.His1667Tyr; replaces histidine 1667 with tyrosine.
Molecular consequence: missense variant.
Genome position (GRCh38, 1-based): chr12:119,710,323, G>A on the plus strand (C>T on the coding strand, the complement: CIT is on the minus strand). VCF-style: chr12-119710323-G-A. GRCh37 (hg19) VCF-style: chr12-120148128-G-A.
Other names: c.4873C>T, p.His1625Tyr (NM_007174.3); short protein forms H1625Y, H1667Y.
Identifiers: ClinVar variation 2578052 (VCV002578052.2), dbSNP rs2500965652, ClinGen allele CA386534932.